The following is an entry in ClinVar:

ClinVar aggregate classification (germline): Likely benign (1 of 4 stars; one submission).

Allele frequency attached by ClinVar (database versions not stated): gnomAD exomes 0.00007; 1000 Genomes Project 0.00060; 1000 Genomes Project 30x 0.00078; TOPMed 0.00080; gnomAD 0.00081.
gnomAD v4.1: 203 of 1,225,532 alleles (0.017%); highest among the groups gnomAD compares: African/African-American, 0.28%; 1 homozygote.

Submission:

CeGaT Center for Human Genetics Tuebingen
Classification: Likely benign. Last evaluated: 2023-04-01. Review status: criteria provided, single submitter. Criteria: CeGaT Center For Human Genetics Tuebingen Variant Classification Criteria Version 2. Collection method: clinical testing. Allele origin: germline. Affected: yes. Observed: 1 variant allele.
Comment: FBRSL1: BP4, BP7

NM_001382741.1(FBRSL1):c.1473G>A (p.Glu491=)

Gene: FBRSL1 (fibrosin like 1; plus strand). Cytogenetic location: 12q24.33.
Variant type: single nucleotide variant.
Coding change: c.1473G>A on transcript NM_001382741.1 (MANE Plus Clinical); coding-DNA position 1473, G replaced by A.
Protein change: p.Glu491=; no amino-acid change (glutamic acid 491 retained).
Molecular consequence: synonymous variant. On other transcripts: non-coding transcript variant (1), intron variant (5).
Genome position (GRCh38, 1-based): chr12:132,510,149, G>A. VCF-style: chr12-132510149-G-A. GRCh37 (hg19) VCF-style: chr12-133086735-G-A.
Other names: c.1176G>A, p.Glu392= (NM_001382742.1); c.489+1799G>A (NM_001367871.1, NM_001382739.1, NM_001142641.2 and 2 more transcripts).
Identifiers: ClinVar variation 2643644 (VCV002643644.24), dbSNP rs555389753, ClinGen allele CA246285508.